The following is an entry in ClinVar:

ClinVar aggregate classification (germline): Likely benign. Review status: criteria provided, multiple submitters, no conflicts (2 of 4 stars). 4 submissions from 4 submitters: Likely benign (4). Last evaluated 2025-08-26.

Allele frequency attached by ClinVar (database versions not stated): 1000 Genomes Project 0.00040; 1000 Genomes Project 30x 0.00047; ExAC 0.00217; gnomAD exomes 0.00226 and 0.00381; gnomAD 0.00241 and 0.00252; TOPMed 0.00253; ESP Exome Variant Server 0.00308.
gnomAD v4.1: 5,903 of 1,612,914 alleles (0.37%); highest among the groups gnomAD compares: Non-Finnish European, 0.45%; 17 homozygotes.

Submissions (4):

Ambry Genetics
Classification: Likely benign. Last evaluated: 2025-08-26. Review status: criteria provided, single submitter. Criteria: Ambry Variant Classification Scheme 2023. Collection method: clinical testing. Allele origin: germline.

CeGaT Center for Human Genetics Tuebingen
Classification: Likely benign. Last evaluated: 2023-03-01. Review status: criteria provided, single submitter. Criteria: CeGaT Center For Human Genetics Tuebingen Variant Classification Criteria Version 2. Collection method: clinical testing. Allele origin: germline. Affected: yes. Observed: 1 variant allele.
Comment: CSPG4: BP4, BS2

Labcorp Genetics (formerly Invitae), Labcorp
Classification: Likely benign. Last evaluated: 2018-03-28. Review status: criteria provided, single submitter. Criteria: Invitae Variant Classification Sherloc (09022015). Collection method: clinical testing. Allele origin: germline.

Breakthrough Genomics
Classification: Likely benign. Review status: criteria provided, single submitter. Criteria: ACMG Guidelines, 2015. Collection method: not provided. Allele origin: germline. Inheritance: Unknown mechanism. Affected: yes.

NM_001897.5(CSPG4):c.4670G>A (p.Arg1557His)

Gene: CSPG4 (chondroitin sulfate proteoglycan 4; minus strand). Cytogenetic location: 15q24.2.
Variant type: single nucleotide variant.
Coding change: c.4670G>A on transcript NM_001897.5 (MANE Select); coding-DNA position 4670, G replaced by A.
Protein change: p.Arg1557His; replaces arginine 1557 with histidine.
Molecular consequence: missense variant.
Genome position (GRCh38, 1-based): chr15:75,682,720, C>T on the plus strand (G>A on the coding strand, the complement: CSPG4 is on the minus strand). VCF-style: chr15-75682720-C-T. GRCh37 (hg19) VCF-style: chr15-75975061-C-T.
Other names: short protein forms R1557H.
Identifiers: ClinVar variation 709978 (VCV000709978.29), dbSNP rs141642595, ClinGen allele CA7669792.